The following is an entry in ClinVar:

NM_199242.3(UNC13D):c.1340T>G (p.Leu447Arg)

Gene: UNC13D (unc-13 homolog D; minus strand). Cytogenetic location: 17q25.1.
Variant type: single nucleotide variant.
Coding change: c.1340T>G on transcript NM_199242.3 (MANE Select); coding-DNA position 1340, T replaced by G.
Protein change: p.Leu447Arg; replaces leucine 447 with arginine.
Molecular consequence: missense variant.
Genome position (GRCh38, 1-based): chr17:75,836,388, A>C on the plus strand (T>G on the coding strand, the complement: UNC13D is on the minus strand). VCF-style: chr17-75836388-A-C. GRCh37 (hg19) VCF-style: chr17-73832469-A-C.
Other names: short protein forms L447R.
Identifiers: ClinVar variation 992532 (VCV000992532.2), dbSNP rs1333471306, ClinGen allele CA401099544.

ClinVar aggregate classification (germline): Uncertain significance (1 of 4 stars; one submission).

Conditions:
Familial hemophagocytic lymphohistiocytosis 3 (FHL3). Also called: UNC13D-Related Familial Hemophagocytic Lymphohistiocytosis (UNC13D-fHLH). Identifiers: Orphanet 540, MedGen C1837174, MONDO:0012146, OMIM 608898.

Allele frequency attached by ClinVar (database versions not stated): gnomAD exomes below 0.00001.

Submission:

Center for Genomics, Ann and Robert H. Lurie Children's Hospital of Chicago
Classification: Uncertain significance for Familial hemophagocytic lymphohistiocytosis 3. Last evaluated: 2021-03-30. Review status: criteria provided, single submitter. Criteria: ACMG Guidelines, 2015. Collection method: clinical testing. Allele origin: germline.
Comment: UNC13D NM_199242.2 exon 15 p.Leu447Arg (c.1340T>G): This variant has not been reported in the literature but is present in 0.003% (1/30600) of South Asian alleles in the Genome Aggregation Database. Evolutionary conservation and computational predictive tools suggest that this variant may impact the protein. In summary, data on this variant is insufficient for disease classification. Therefore, the clinical significance of this variant is uncertain.